The following is an entry in ClinVar:

ClinVar aggregate classification (germline): Likely pathogenic. Review status: criteria provided, multiple submitters, no conflicts (2 of 4 stars). 2 submissions from 2 submitters: Likely pathogenic (2). Last evaluated 2026-06-08.

Conditions:
Hereditary cancer-predisposing syndrome. Also called: Tumor predisposition; Neoplastic Syndromes, Hereditary; Hereditary Cancer Syndrome; Hereditary neoplastic syndrome. Identifiers: Orphanet 140162, MedGen C0027672, MeSH D009386, MONDO:0015356.

Submissions (2):

Department of Clinical Genetics, Copenhagen University Hospital, Rigshospitalet
Classification: Likely pathogenic for Hereditary cancer-predisposing syndrome. Last evaluated: 2026-06-08. Review status: criteria provided, single submitter. Criteria: ACMG Guidelines, 2015. Collection method: clinical testing. Allele origin: germline.
Comment: The following ACMG criteria has been used: PM2_SUP (not reported in gnomAD v.4.1); PVS1 (not not expected to trigger nonsense-mediated mRNA decay)

Ambry Genetics
Classification: Likely pathogenic for Hereditary cancer-predisposing syndrome. Last evaluated: 2024-08-30. Review status: criteria provided, single submitter. Criteria: Ambry Variant Classification Scheme 2023. Collection method: clinical testing. Allele origin: germline.
Comment: The c.243delC variant, located in coding exon 2 of the CDKN2A gene, results from a deletion of one nucleotide at nucleotide position 243, causing a translational frameshift with a predicted alternate stop codon (p.V82Cfs*64). This alteration occurs at the 3' terminus of theCDKN2A gene, is not expected to trigger nonsense-mediated mRNA decay, and impacts the last 47.8% of the protein. However, premature stop codons are typically deleterious in nature and a significant portion of the protein is affected (Ambry internal data). This variant is considered to be rare based on population cohorts in the Genome Aggregation Database (gnomAD). Based on the majority of available evidence to date, this variant is likely to be pathogenic.

NM_000077.5(CDKN2A):c.243del (p.Val82fs)

Gene: CDKN2A (cyclin dependent kinase inhibitor 2A; minus strand). Cytogenetic location: 9p21.3.
Variant type: Deletion.
Coding change: c.243del on transcript NM_000077.5; coding-DNA position 243, one base deleted (C; older notation c.243delC).
Protein change: p.Val82fs; shifts the reading frame from valine 82.
Molecular consequence: frameshift variant (on NM_000077.4). On other transcripts: 3 prime UTR variant (1).
Genome position (GRCh38, 1-based): chr9:21,971,116, G deleted on the plus strand (C on the coding strand, the reverse complement: CDKN2A is on the minus strand); the first of 3 consecutive G bases (chr9:21,971,116-21,971,118); deleting any one gives the same sequence. VCF-style (leftmost placement, unchanged base first): chr9-21971115-CG-C. GRCh37 (hg19) VCF-style: chr9-21971114-CG-C.
Other names: c.243delC (NM_000077.4); c.241delC, p.Val82Cysfs (NM_000077.6); c.243del, p.Val82fs (NM_001195132.2); c.90del, p.Val31fs (NM_001363763.2); c.286del, p.Arg96fs (NM_058195.4); c.*166del (NM_058197.5); short protein forms R96fs, V31fs, V82fs.
Identifiers: ClinVar variation 3489665 (VCV003489665.2).